The following is an entry in ClinVar:

NM_005228.5(EGFR):c.3489C>A (p.His1163Gln)

Gene: EGFR (epidermal growth factor receptor; plus strand). Cytogenetic location: 7p11.2.
Variant type: single nucleotide variant.
Coding change: c.3489C>A on transcript NM_005228.5 (MANE Select); coding-DNA position 3489, C replaced by A.
Protein change: p.His1163Gln; replaces histidine 1163 with glutamine.
Molecular consequence: missense variant.
Genome position (GRCh38, 1-based): chr7:55,205,473, C>A. VCF-style: chr7-55205473-C-A. GRCh37 (hg19) VCF-style: chr7-55273166-C-A.
Other names: c.3354C>A, p.His1118Gln (NM_001346899.2); c.3330C>A, p.His1110Gln (NM_001346900.2); c.2688C>A, p.His896Gln (NM_001346941.2); short protein forms H1163Q, H896Q, H1110Q, H1118Q.
Identifiers: ClinVar variation 3843843 (VCV003843843.1).

ClinVar aggregate classification (germline): Uncertain significance (1 of 4 stars; one submission).

Conditions:
Hereditary cancer-predisposing syndrome. Also called: Hereditary neoplastic syndrome; Neoplastic Syndromes, Hereditary; Tumor predisposition; Hereditary Cancer Syndrome. Identifiers: Orphanet 140162, MedGen C0027672, MeSH D009386, MONDO:0015356.

gnomAD v4.1: 3 of 1,614,082 alleles (0.00019%); no homozygotes.

Submission:

Ambry Genetics
Classification: Uncertain significance for Hereditary cancer-predisposing syndrome. Last evaluated: 2025-03-12. Review status: criteria provided, single submitter. Criteria: Ambry Variant Classification Scheme 2023. Collection method: clinical testing. Allele origin: germline.
Comment: The p.H1163Q variant (also known as c.3489C>A), located in coding exon 28 of the EGFR gene, results from a C to A substitution at nucleotide position 3489. The histidine at codon 1163 is replaced by glutamine, an amino acid with highly similar properties. This amino acid position is not well conserved in available vertebrate species. In addition, this alteration is predicted to be tolerated by in silico analysis. Based on the available evidence, the clinical significance of this variant remains unclear.